The following is an entry in ClinVar:

NM_000209.4(PDX1):c.848G>C (p.Arg283Pro)

Gene: PDX1 (pancreatic and duodenal homeobox 1; plus strand). Cytogenetic location: 13q12.2.
Variant type: single nucleotide variant.
Coding change: c.848G>C on transcript NM_000209.4 (MANE Select); coding-DNA position 848, G replaced by C.
Protein change: p.Arg283Pro; replaces arginine 283 with proline.
Molecular consequence: missense variant.
Genome position (GRCh38, 1-based): chr13:27,924,697, G>C. VCF-style: chr13-27924697-G-C. GRCh37 (hg19) VCF-style: chr13-28498834-G-C.
Other names: short protein forms R283P.
Identifiers: ClinVar variation 4713217 (VCV004713217.1).

ClinVar aggregate classification (germline): Uncertain significance (1 of 4 stars; one submission).

gnomAD v4.1: 1 of 1,472,036 alleles (0.000068%); no homozygotes.

Submission:

Labcorp Genetics (formerly Invitae), Labcorp
Classification: Uncertain significance. Last evaluated: 2025-02-16. Review status: criteria provided, single submitter. Criteria: Invitae Variant Classification Sherloc (09022015). Collection method: clinical testing. Allele origin: germline.
Comment: This sequence change replaces arginine, which is basic and polar, with proline, which is neutral and non-polar, at codon 283 of the PDX1 protein (p.Arg283Pro). This variant is not present in population databases (gnomAD no frequency). This variant has not been reported in the literature in individuals affected with PDX1-related conditions. An algorithm developed to predict the effect of missense changes on protein structure and function (PolyPhen-2) suggests that this variant is likely to be disruptive. In summary, the available evidence is currently insufficient to determine the role of this variant in disease. Therefore, it has been classified as a Variant of Uncertain Significance.